The following is an entry in ClinVar:

NM_000258.3(MYL3):c.574A>G (p.Ile192Val)

Gene: MYL3 (myosin light chain 3; minus strand). Cytogenetic location: 3p21.31.
Variant type: single nucleotide variant.
Coding change: c.574A>G on transcript NM_000258.3 (MANE Select); coding-DNA position 574, A replaced by G.
Protein change: p.Ile192Val; replaces isoleucine 192 with valine.
Molecular consequence: missense variant.
Genome position (GRCh38, 1-based): chr3:46,858,258, T>C on the plus strand (A>G on the coding strand, the complement: MYL3 is on the minus strand). VCF-style: chr3-46858258-T-C. GRCh37 (hg19) VCF-style: chr3-46899748-T-C.
Other names: c.574A>G, p.Ile192Val (NM_001406937.1, NM_001406938.1, NM_001406939.1); c.400A>G, p.Ile134Val (NM_001406940.1); c.385A>G, p.Ile129Val (NM_001406941.1); short protein forms I129V, I134V, I192V.
Identifiers: ClinVar variation 3622985 (VCV003622985.3).

ClinVar aggregate classification (germline): Uncertain significance. Review status: criteria provided, multiple submitters, no conflicts (2 of 4 stars). 2 submissions from 2 submitters: Uncertain significance (2). Last evaluated 2026-07-01.

Conditions:
Hypertrophic cardiomyopathy. Also called: HYPERTROPHIC MYOCARDIOPATHY. Identifiers: Orphanet 217569, MedGen C0007194, MeSH D002312, MONDO:0005045, HP:0001639.
MYL3-related disorder. Also called: MYL3-related condition.

Submissions (2):

PreventionGenetics, part of Exact Sciences
Classification: Uncertain significance for MYL3-related condition. Last evaluated: 2026-07-01. Review status: criteria provided, single submitter. Criteria: ACMG Guidelines, 2015. Collection method: clinical testing. Allele origin: germline.
Comment: The MYL3 c.574A>G variant is predicted to result in the amino acid substitution p.Ile192Val. To our knowledge, this variant has not been reported in the literature. This variant is reported in 0.00088% of alleles in individuals of European (Non-Finnish) descent in gnomAD. At this time, the clinical significance of this variant is uncertain due to the absence of conclusive functional and genetic evidence.

Labcorp Genetics (formerly Invitae), Labcorp
Classification: Uncertain significance for Hypertrophic cardiomyopathy. Last evaluated: 2024-10-30. Review status: criteria provided, single submitter. Criteria: Invitae Variant Classification Sherloc (09022015). Collection method: clinical testing. Allele origin: germline.
Comment: This sequence change replaces isoleucine, which is neutral and non-polar, with valine, which is neutral and non-polar, at codon 192 of the MYL3 protein (p.Ile192Val). This variant is present in population databases (no rsID available, gnomAD 0.0009%). This variant has not been reported in the literature in individuals affected with MYL3-related conditions. An algorithm developed to predict the effect of missense changes on protein structure and function (PolyPhen-2) suggests that this variant is likely to be tolerated. In summary, the available evidence is currently insufficient to determine the role of this variant in disease. Therefore, it has been classified as a Variant of Uncertain Significance.